The following is an entry in ClinVar:

ClinVar aggregate classification (germline): Uncertain significance (1 of 4 stars; one submission).

Conditions:
Early-infantile DEE. Also called: Early infantile epileptic encephalopathy; Ohtahara syndrome; Early infantile epileptic encephalopathy with suppression bursts. Identifiers: Orphanet 1934, MedGen C0393706, MONDO:0800491.

Submission:

Labcorp Genetics (formerly Invitae), Labcorp
Classification: Uncertain significance for Early-infantile DEE. Last evaluated: 2022-10-17. Review status: criteria provided, single submitter. Criteria: Invitae Variant Classification Sherloc (09022015). Collection method: clinical testing. Allele origin: germline.
Comment: In summary, the available evidence is currently insufficient to determine the role of this variant in disease. Therefore, it has been classified as a Variant of Uncertain Significance. Advanced modeling of protein sequence and biophysical properties (such as structural, functional, and spatial information, amino acid conservation, physicochemical variation, residue mobility, and thermodynamic stability) performed at Invitae indicates that this missense variant is not expected to disrupt HCN1 protein function. This variant has not been reported in the literature in individuals affected with HCN1-related conditions. This variant is not present in population databases (gnomAD no frequency). This sequence change replaces glycine, which is neutral and non-polar, with aspartic acid, which is acidic and polar, at codon 68 of the HCN1 protein (p.Gly68Asp).

NM_021072.4(HCN1):c.203G>A (p.Gly68Asp)

Gene: HCN1 (hyperpolarization activated cyclic nucleotide gated potassium channel 1; minus strand). Cytogenetic location: 5p12.
Variant type: single nucleotide variant.
Coding change: c.203G>A on transcript NM_021072.4 (MANE Select); coding-DNA position 203, G replaced by A.
Protein change: p.Gly68Asp; replaces glycine 68 with aspartic acid.
Molecular consequence: missense variant.
Genome position (GRCh38, 1-based): chr5:45,695,891, C>T on the plus strand (G>A on the coding strand, the complement: HCN1 is on the minus strand). VCF-style: chr5-45695891-C-T. GRCh37 (hg19) VCF-style: chr5-45695993-C-T.
Other names: short protein forms G68D.
Identifiers: ClinVar variation 1970593 (VCV001970593.5), dbSNP rs2478644362, ClinGen allele CA359706530.